The following is an entry in ClinVar:

NM_002156.5(HSPD1):c.1523G>C (p.Gly508Ala)

Gene: HSPD1 (heat shock protein family D (Hsp60) member 1; minus strand). Cytogenetic location: 2q33.1.
Variant type: single nucleotide variant.
Coding change: c.1523G>C on transcript NM_002156.5 (MANE Select); coding-DNA position 1523, G replaced by C.
Protein change: p.Gly508Ala; replaces glycine 508 with alanine.
Molecular consequence: missense variant.
Genome position (GRCh38, 1-based): chr2:197,487,904, C>G on the plus strand (G>C on the coding strand, the complement: HSPD1 is on the minus strand). VCF-style: chr2-197487904-C-G. GRCh37 (hg19) VCF-style: chr2-198352628-C-G.
Other names: c.1523G>C, p.Gly508Ala (NM_199440.2); short protein forms G508A.
Identifiers: ClinVar variation 3628872 (VCV003628872.2).
Genomic context (GRCh38, chr2:197,487,904, plus strand): 5'-GTTCAACCATTTACCTTTGTTGGGTCAATGATTCCTTTTTCCACCATATTCACAAAATCT[C>G]CAGCCATAGCATCATAACCAACTTCTGAGGAACTTTGCATAATTTTCTCAACTATCAAAG-3'
Protein context (NP_002147.2, residues 498-518): SSEVGYDAMA[Gly508Ala]DFVNMVEKGI

ClinVar aggregate classification (germline): Uncertain significance (1 of 4 stars; one submission).

Conditions:
Spastic paraplegia. Identifiers: MedGen C0037772, HP:0001258.

gnomAD v4.1: 2 of 1,613,862 alleles (0.00012%); highest among the groups gnomAD compares: Admixed American, 0.0033%; no homozygotes.

Submission:

Labcorp Genetics (formerly Invitae), Labcorp
Classification: Uncertain significance for Spastic paraplegia. Last evaluated: 2024-06-19. Review status: criteria provided, single submitter. Criteria: Invitae Variant Classification Sherloc (09022015). Collection method: clinical testing. Allele origin: germline.
Comment: This sequence change replaces glycine, which is neutral and non-polar, with alanine, which is neutral and non-polar, at codon 508 of the HSPD1 protein (p.Gly508Ala). This variant is present in population databases (no rsID available, gnomAD 0.006%). This variant has not been reported in the literature in individuals affected with HSPD1-related conditions. Advanced modeling of protein sequence and biophysical properties (such as structural, functional, and spatial information, amino acid conservation, physicochemical variation, residue mobility, and thermodynamic stability) performed at Invitae indicates that this missense variant is not expected to disrupt HSPD1 protein function with a negative predictive value of 80%. In summary, the available evidence is currently insufficient to determine the role of this variant in disease. Therefore, it has been classified as a Variant of Uncertain Significance.